The following is an entry in ClinVar:

ClinVar aggregate classification (germline): Uncertain significance. Review status: criteria provided, multiple submitters, no conflicts (2 of 4 stars). 2 submissions from 2 submitters: Uncertain significance (2). Last evaluated 2022-01-11.

Conditions:
Nephronophthisis. Also called: Juvenile Nephronophthisis. Identifiers: Orphanet 655, MedGen C0687120, MONDO:0019005, HP:0000090.

gnomAD v4.1: 1 of 1,614,112 alleles (0.000062%); highest among the groups gnomAD compares: Non-Finnish European, 0.000085%; no homozygotes.

Submissions (2):

Blueprint Genetics
Classification: Uncertain significance. Last evaluated: 2022-01-11. Review status: criteria provided, single submitter. Criteria: ACMG Guidelines, 2015. Collection method: clinical testing. Allele origin: germline.

Labcorp Genetics (formerly Invitae), Labcorp
Classification: Uncertain significance for Nephronophthisis. Last evaluated: 2020-01-07. Review status: criteria provided, single submitter. Criteria: Invitae Variant Classification Sherloc (09022015). Collection method: clinical testing. Allele origin: germline.
Comment: This variant has not been reported in the literature in individuals with NPHP3-related conditions. In summary, the available evidence is currently insufficient to determine the role of this variant in disease. Therefore, it has been classified as a Variant of Uncertain Significance. Algorithms developed to predict the effect of missense changes on protein structure and function (SIFT, PolyPhen-2, Align-GVGD) all suggest that this variant is likely to be tolerated, but these predictions have not been confirmed by published functional studies and their clinical significance is uncertain. This variant is not present in population databases (ExAC no frequency). This sequence change replaces valine with isoleucine at codon 589 of the NPHP3 protein (p.Val589Ile). The valine residue is moderately conserved and there is a small physicochemical difference between valine and isoleucine.

NM_153240.5(NPHP3):c.1765G>A (p.Val589Ile)

Genes: NPHP3 (nephrocystin 3; minus strand), NPHP3-ACAD11 (NPHP3-ACAD11 readthrough (NMD candidate); minus strand). Cytogenetic location: 3q22.1.
Variant type: single nucleotide variant.
Coding change: c.1765G>A on transcript NM_153240.5 (MANE Select); coding-DNA position 1765, G replaced by A.
Protein change: p.Val589Ile; replaces valine 589 with isoleucine.
Molecular consequence: missense variant. On other transcripts: non-coding transcript variant (1).
Genome position (GRCh38, 1-based): chr3:132,700,040, C>T on the plus strand (G>A on the coding strand, the complement: NPHP3 is on the minus strand). VCF-style: chr3-132700040-C-T. GRCh37 (hg19) VCF-style: chr3-132418884-C-T.
Other names: short protein forms V589I.
Identifiers: ClinVar variation 1009508 (VCV001009508.9), dbSNP rs753592193, ClinGen allele CA354582847.